The following is an entry in ClinVar:

NM_000091.5(COL4A3):c.3043G>A (p.Gly1015Arg)

Genes: COL4A3 (collagen type IV alpha 3 chain; plus strand), MFF-DT (MFF divergent transcript; minus strand). Cytogenetic location: 2q36.3.
Variant type: single nucleotide variant.
Coding change: c.3043G>A on transcript NM_000091.5 (MANE Select); coding-DNA position 3043, G replaced by A.
Protein change: p.Gly1015Arg; replaces glycine 1015 with arginine.
Molecular consequence: missense variant.
Genome position (GRCh38, 1-based): chr2:227,290,061, G>A. VCF-style: chr2-227290061-G-A. GRCh37 (hg19) VCF-style: chr2-228154777-G-A.
Other names: short protein forms G1015R.
Identifiers: ClinVar variation 3634132 (VCV003634132.2).

ClinVar aggregate classification (germline): Uncertain significance (1 of 4 stars; one submission).

Submission:

Labcorp Genetics (formerly Invitae), Labcorp
Classification: Uncertain significance. Last evaluated: 2024-10-08. Review status: criteria provided, single submitter. Criteria: Invitae Variant Classification Sherloc (09022015). Collection method: clinical testing. Allele origin: germline.
Comment: This sequence change replaces glycine, which is neutral and non-polar, with arginine, which is basic and polar, at codon 1015 of the COL4A3 protein (p.Gly1015Arg). This variant is not present in population databases (gnomAD no frequency). This variant has not been reported in the literature in individuals affected with COL4A3-related conditions. Invitae Evidence Modeling of protein sequence and biophysical properties (such as structural, functional, and spatial information, amino acid conservation, physicochemical variation, residue mobility, and thermodynamic stability) indicates that this missense variant is expected to disrupt COL4A3 protein function with a positive predictive value of 80%. In summary, the available evidence is currently insufficient to determine the role of this variant in disease. Therefore, it has been classified as a Variant of Uncertain Significance.